The following is an entry in ClinVar:

NM_000384.3(APOB):c.4503T>G (p.Tyr1501Ter)

Gene: APOB (apolipoprotein B; minus strand). Cytogenetic location: 2p24.1.
Variant type: single nucleotide variant.
Coding change: c.4503T>G on transcript NM_000384.3 (MANE Select); coding-DNA position 4503, T replaced by G.
Protein change: p.Tyr1501Ter; replaces tyrosine 1501 with a stop codon.
Molecular consequence: nonsense.
Genome position (GRCh38, 1-based): chr2:21,012,365, A>C on the plus strand (T>G on the coding strand, the complement: APOB is on the minus strand). VCF-style: chr2-21012365-A-C. GRCh37 (hg19) VCF-style: chr2-21235237-A-C.
Other names: short protein forms Y1501*.
Identifiers: ClinVar variation 577519 (VCV000577519.28), dbSNP rs368825685, ClinGen allele CA061061.

ClinVar aggregate classification (germline): Pathogenic/Likely pathogenic. Review status: criteria provided, multiple submitters, no conflicts (2 of 4 stars). 2 submissions from 2 submitters: Pathogenic (1); Likely pathogenic (1). Last evaluated 2024-07-01.

Conditions:
Hypercholesterolemia, autosomal dominant, type B (FHCL2). Also called: APOB-Related Familial Hypercholesterolemia, Autosomal Dominant; Familial Hypercholesterolemia Type B; Hyperlipoproteinemia Type IIb; APOLIPOPROTEIN B-100, FAMILIAL DEFECTIVE; APOLIPOPROTEIN B-100, FAMILIAL LIGAND-DEFECTIVE; HYPERCHOLESTEROLEMIA, FAMILIAL, DUE TO LIGAND-DEFECTIVE APOLIPOPROTEIN B. Identifiers: MedGen C1704417, MONDO:0007751, OMIM 144010.
Familial hypobetalipoproteinemia 1. Also called: APOB-Related Familial Hypobetalipoproteinemia; Hypobetalipoproteinemia, normotriglyceridemic; Acanthocytosis with hypobetalipoproteinemia. Identifiers: MedGen C4551990, MONDO:0014252, OMIM 615558.

Allele frequency attached by ClinVar (database versions not stated): gnomAD 0.00001; TOPMed 0.00001; ESP Exome Variant Server 0.00008.

Submissions (2):

CeGaT Center for Human Genetics Tuebingen
Classification: Likely pathogenic. Last evaluated: 2024-07-01. Review status: criteria provided, single submitter. Criteria: CeGaT Center For Human Genetics Tuebingen Variant Classification Criteria Version 2. Collection method: clinical testing. Allele origin: germline. Affected: yes. Observed: 1 variant allele.
Comment: APOB: PVS1:Strong, PM2, PP4:Moderate

Labcorp Genetics (formerly Invitae), Labcorp
Classification: Pathogenic for Familial hypobetalipoproteinemia 1; Hypercholesterolemia, autosomal dominant, type B. Last evaluated: 2021-09-22. Review status: criteria provided, single submitter. Criteria: Invitae Variant Classification Sherloc (09022015). Collection method: clinical testing. Allele origin: germline.
Comment: This sequence change creates a premature translational stop signal (p.Tyr1501*) in the APOB gene. It is expected to result in an absent or disrupted protein product. Loss-of-function variants in APOB are known to be pathogenic (PMID: 20032471). This variant is present in population databases (rs368825685, ExAC 0.001%). This premature translational stop signal has been observed in individual(s) with hypobetalipoproteinemia (PMID: 8468533, 24507775). For these reasons, this variant has been classified as Pathogenic.

Literature cited by the submitters: PubMed 20032471 (cited by Labcorp Genetics (formerly Invitae), Labcorp); PubMed 8468533 (cited by Labcorp Genetics (formerly Invitae), Labcorp); PubMed 24507775 (cited by Labcorp Genetics (formerly Invitae), Labcorp).